The following is an entry in ClinVar:

NM_003716.4(CADPS):c.140G>C (p.Gly47Ala)

Gene: CADPS (calcium dependent secretion activator; minus strand). Cytogenetic location: 3p14.2.
Variant type: single nucleotide variant.
Coding change: c.140G>C on transcript NM_003716.4 (MANE Select); coding-DNA position 140, G replaced by C.
Protein change: p.Gly47Ala; replaces glycine 47 with alanine.
Molecular consequence: missense variant.
Genome position (GRCh38, 1-based): chr3:62,874,890, C>G on the plus strand (G>C on the coding strand, the complement: CADPS is on the minus strand). VCF-style: chr3-62874890-C-G. GRCh37 (hg19) VCF-style: chr3-62860565-C-G.
Other names: c.140G>C, p.Gly47Ala (NM_183393.3, NM_183394.3); short protein forms G47A.
Identifiers: ClinVar variation 3045425 (VCV003045425.2), dbSNP rs1451372707, ClinGen allele CA353535122.

ClinVar aggregate classification (germline): Likely benign (0 of 4 stars; one submission).

Conditions:
CADPS-related disorder. Also called: CADPS-related condition.

Allele frequency attached by ClinVar (database versions not stated): gnomAD 0.00003; TOPMed 0.00021.
gnomAD v4.1: 34 of 1,307,550 alleles (0.0026%); highest among the groups gnomAD compares: Admixed American, 0.1%; no homozygotes.

Submission:

PreventionGenetics, part of Exact Sciences
Classification: Likely benign for CADPS-related condition. Last evaluated: 2024-04-19. Review status: no assertion criteria provided. Collection method: clinical testing. Allele origin: germline.
Comment: This variant is classified as likely benign based on ACMG/AMP sequence variant interpretation guidelines (Richards et al. 2015 PMID: 25741868, with internal and published modifications).